The following is an entry in ClinVar:

NM_005732.4(RAD50):c.445G>A (p.Ala149Thr)

Gene: RAD50 (RAD50 double strand break repair protein; plus strand). Cytogenetic location: 5q31.1.
Variant type: single nucleotide variant.
Coding change: c.445G>A on transcript NM_005732.4 (MANE Select); coding-DNA position 445, G replaced by A.
Protein change: p.Ala149Thr; replaces alanine 149 with threonine.
Molecular consequence: missense variant.
Genome position (GRCh38, 1-based): chr5:132,579,396, G>A. VCF-style: chr5-132579396-G-A. GRCh37 (hg19) VCF-style: chr5-131915088-G-A.
Other names: c.445G>A (NM_005732.3); short protein forms A149T.
Identifiers: ClinVar variation 2753935 (VCV002753935.4), dbSNP rs2149837742, ClinGen allele CA360934056.

ClinVar aggregate classification (germline): Uncertain significance. Review status: criteria provided, multiple submitters, no conflicts (2 of 4 stars). 2 submissions from 2 submitters: Uncertain significance (2). Last evaluated 2024-05-22.

Conditions:
Hereditary cancer-predisposing syndrome. Also called: Neoplastic Syndromes, Hereditary; Hereditary Cancer Syndrome; Tumor predisposition; Hereditary neoplastic syndrome. Identifiers: Orphanet 140162, MedGen C0027672, MeSH D009386, MONDO:0015356.

Submissions (2):

Ambry Genetics
Classification: Uncertain significance for Hereditary cancer-predisposing syndrome. Last evaluated: 2024-05-22. Review status: criteria provided, single submitter. Criteria: Ambry Variant Classification Scheme 2023. Collection method: clinical testing. Allele origin: germline.
Comment: The p.A149T variant (also known as c.445G>A), located in coding exon 4 of the RAD50 gene, results from a G to A substitution at nucleotide position 445. The alanine at codon 149 is replaced by threonine, an amino acid with similar properties. This amino acid position is conserved. In addition, this alteration is predicted to be tolerated by in silico analysis. Based on the available evidence, the clinical significance of this variant remains unclear.

Labcorp Genetics (formerly Invitae), Labcorp
Classification: Uncertain significance for Hereditary cancer-predisposing syndrome. Last evaluated: 2023-08-19. Review status: criteria provided, single submitter. Criteria: Invitae Variant Classification Sherloc (09022015). Collection method: clinical testing. Allele origin: germline.
Comment: This sequence change replaces alanine, which is neutral and non-polar, with threonine, which is neutral and polar, at codon 149 of the RAD50 protein (p.Ala149Thr). This variant is not present in population databases (gnomAD no frequency). This variant has not been reported in the literature in individuals affected with RAD50-related conditions. Advanced modeling of protein sequence and biophysical properties (such as structural, functional, and spatial information, amino acid conservation, physicochemical variation, residue mobility, and thermodynamic stability) performed at Invitae indicates that this missense variant is expected to disrupt RAD50 protein function. In summary, the available evidence is currently insufficient to determine the role of this variant in disease. Therefore, it has been classified as a Variant of Uncertain Significance.